The following is an entry in ClinVar:

NM_006231.4(POLE):c.2750C>T (p.Ser917Phe)

Gene: POLE (DNA polymerase epsilon, catalytic subunit; minus strand). Cytogenetic location: 12q24.33.
Variant type: single nucleotide variant.
Coding change: c.2750C>T on transcript NM_006231.4 (MANE Select); coding-DNA position 2750, C replaced by T.
Protein change: p.Ser917Phe; replaces serine 917 with phenylalanine.
Molecular consequence: missense variant.
Genome position (GRCh38, 1-based): chr12:132,661,641, G>A on the plus strand (C>T on the coding strand, the complement: POLE is on the minus strand). VCF-style: chr12-132661641-G-A. GRCh37 (hg19) VCF-style: chr12-133238227-G-A.
Other names: short protein forms S917F.
Identifiers: ClinVar variation 1523636 (VCV001523636.8), dbSNP rs2135949263, ClinGen allele CA387393922.

ClinVar aggregate classification (germline): Uncertain significance (1 of 4 stars; one submission).

Submission:

Labcorp Genetics (formerly Invitae), Labcorp
Classification: Uncertain significance. Last evaluated: 2024-06-17. Review status: criteria provided, single submitter. Criteria: Invitae Variant Classification Sherloc (09022015). Collection method: clinical testing. Allele origin: germline.
Comment: This sequence change replaces serine, which is neutral and polar, with phenylalanine, which is neutral and non-polar, at codon 917 of the POLE protein (p.Ser917Phe). This variant is not present in population databases (gnomAD no frequency). This variant has not been reported in the literature in individuals affected with POLE-related conditions. ClinVar contains an entry for this variant (Variation ID: 1523636). Advanced modeling of protein sequence and biophysical properties (such as structural, functional, and spatial information, amino acid conservation, physicochemical variation, residue mobility, and thermodynamic stability) performed at Invitae indicates that this missense variant is not expected to disrupt POLE protein function with a negative predictive value of 80%. In summary, the available evidence is currently insufficient to determine the role of this variant in disease. Therefore, it has been classified as a Variant of Uncertain Significance.